The following is an entry in ClinVar:

NM_138576.4(BCL11B):c.512T>C (p.Leu171Pro)

Gene: BCL11B (BCL11 transcription factor B; minus strand). Cytogenetic location: 14q32.2.
Variant type: single nucleotide variant.
Coding change: c.512T>C on transcript NM_138576.4 (MANE Select); coding-DNA position 512, T replaced by C.
Protein change: p.Leu171Pro; replaces leucine 171 with proline.
Molecular consequence: missense variant. On other transcripts: intron variant (2).
Genome position (GRCh38, 1-based): chr14:99,231,473, A>G on the plus strand (T>C on the coding strand, the complement: BCL11B is on the minus strand). VCF-style: chr14-99231473-A-G. GRCh37 (hg19) VCF-style: chr14-99697810-A-G.
Other names: c.509T>C, p.Leu170Pro (NM_001282237.2); c.424+25998T>C (NM_001282238.2); c.427+25998T>C (NM_022898.3); short protein forms L170P, L171P.
Identifiers: ClinVar variation 2814221 (VCV002814221.3), dbSNP rs2503834322, ClinGen allele CA390937369.

ClinVar aggregate classification (germline): Uncertain significance (1 of 4 stars; one submission).

Submission:

Labcorp Genetics (formerly Invitae), Labcorp
Classification: Uncertain significance. Last evaluated: 2023-04-25. Review status: criteria provided, single submitter. Criteria: Invitae Variant Classification Sherloc (09022015). Collection method: clinical testing. Allele origin: germline.
Comment: In summary, the available evidence is currently insufficient to determine the role of this variant in disease. Therefore, it has been classified as a Variant of Uncertain Significance. An algorithm developed to predict the effect of missense changes on protein structure and function (PolyPhen-2) suggests that this variant is likely to be tolerated. This variant has not been reported in the literature in individuals affected with BCL11B-related conditions. This variant is not present in population databases (gnomAD no frequency). This sequence change replaces leucine, which is neutral and non-polar, with proline, which is neutral and non-polar, at codon 171 of the BCL11B protein (p.Leu171Pro).